The following is an entry in ClinVar:

NM_001206744.2(TPO):c.179+1G>A

Gene: TPO (thyroid peroxidase; plus strand). Cytogenetic location: 2p25.3.
Variant type: single nucleotide variant.
Coding change: c.179+1G>A on transcript NM_001206744.2 (MANE Select); the canonical splice donor site of the intron after coding-DNA position 179, G replaced by A.
Molecular consequence: splice donor variant.
Genome position (GRCh38, 1-based): chr2:1,423,130, G>A. VCF-style: chr2-1423130-G-A. GRCh37 (hg19) VCF-style: chr2-1426902-G-A.
Other names: c.179+1G>A (NM_000547.6, NM_175719.4, NM_001206745.2 and 2 more transcripts).
Identifiers: ClinVar variation 2748164 (VCV002748164.3), dbSNP rs761194640, ClinGen allele CA1511326.
Genomic context (GRCh38, chr2:1,423,130, plus strand): 5'-TAGCGTCTTGGAGGAAAGCAAGCGCCTGGTGGACACCGCCATGTACGCCACGATGCAGAG[G>A]TGAGCCTTGCGGAGGGGCCGCCGCCCCAAATGCCACCGACAGGCGCATCCTCCCTGACAT-3'

ClinVar aggregate classification (germline): Likely pathogenic (1 of 4 stars; one submission).

Allele frequency attached by ClinVar (database versions not stated): gnomAD exomes below 0.00001; ExAC 0.00001.
gnomAD v4.1: 1 of 1,613,578 alleles (0.000062%); highest among the groups gnomAD compares: Non-Finnish European, 0.000085%; no homozygotes.

Submission:

Labcorp Genetics (formerly Invitae), Labcorp
Classification: Likely pathogenic. Last evaluated: 2023-07-29. Review status: criteria provided, single submitter. Criteria: Invitae Variant Classification Sherloc (09022015). Collection method: clinical testing. Allele origin: germline.
Comment: This sequence change affects a donor splice site in intron 3 of the TPO gene. It is expected to disrupt RNA splicing. Variants that disrupt the donor or acceptor splice site typically lead to a loss of protein function (PMID: 16199547), and loss-of-function variants in TPO are known to be pathogenic (PMID: 11061528, 23236987, 25564141). This variant is present in population databases (rs761194640, gnomAD 0.0009%). This variant has not been reported in the literature in individuals affected with TPO-related conditions. Algorithms developed to predict the effect of sequence changes on RNA splicing suggest that this variant may disrupt the consensus splice site. In summary, the currently available evidence indicates that the variant is pathogenic, but additional data are needed to prove that conclusively. Therefore, this variant has been classified as Likely Pathogenic.

Literature cited by the submitters: PubMed 16199547; PubMed 11061528; PubMed 23236987; PubMed 25564141.